The following is an entry in ClinVar:

ClinVar aggregate classification (germline): Benign/Likely benign. Review status: criteria provided, multiple submitters, no conflicts (2 of 4 stars). 7 submissions from 7 submitters: Benign (1); Likely benign (4). 2 of the submissions do not count toward it. Last evaluated 2026-01-20.

Conditions:
DMD-related disorder. Also called: DMD-related condition.
Duchenne muscular dystrophy (DMD). Also called: Duchenne Muscular Dystrophy (DMD); MUSCULAR DYSTROPHY, PSEUDOHYPERTROPHIC PROGRESSIVE, DUCHENNE TYPE. Identifiers: Orphanet 98896, MedGen C0013264, MONDO:0010679, OMIM 310200.
Dystrophin deficiency.
Becker muscular dystrophy (BMD). Also called: Becker Muscular Dystrophy (BMD); MUSCULAR DYSTROPHY, PSEUDOHYPERTROPHIC PROGRESSIVE, BECKER TYPE. Identifiers: Orphanet 98895, MedGen C0917713, MONDO:0010311, OMIM 300376.
Cardiomyopathy (CMYO). Also called: Cardiomyopathies. Identifiers: Orphanet 167848, MedGen C0878544, MONDO:0004994, HP:0001638. Inheritance: Various modes of inheritance.
Cardiovascular phenotype. Identifiers: MedGen CN230736.

Allele frequency attached by ClinVar (database versions not stated): gnomAD exomes 0.00003 and 0.00005; ExAC 0.00008; ESP Exome Variant Server 0.00009; gnomAD 0.00013 and 0.00014; TOPMed 0.00019; 1000 Genomes Project 0.00053; 1000 Genomes Project 30x 0.00062.
gnomAD v4.1: 48 of 1,210,054 alleles (0.004%); highest among the groups gnomAD compares: African/African-American, 0.038%; no homozygotes.

Submissions (7):

Labcorp Genetics (formerly Invitae), Labcorp
Classification: Benign for Duchenne muscular dystrophy. Last evaluated: 2026-01-20. Review status: criteria provided, single submitter. Criteria: Invitae Variant Classification Sherloc (09022015). Collection method: clinical testing. Allele origin: germline.

ARUP Laboratories, Molecular Genetics and Genomics, ARUP Laboratories
Classification: Likely benign. Last evaluated: 2023-12-26. Review status: criteria provided, single submitter. Criteria: ARUP Molecular Germline Variant Investigation Process 2024. Collection method: clinical testing. Allele origin: germline.

Blueprint Genetics
Classification: Likely benign. Last evaluated: 2022-02-07. Review status: criteria provided, single submitter. Criteria: ACMG Guidelines, 2015. Collection method: clinical testing. Allele origin: germline.

Ambry Genetics
Classification: Likely benign for Cardiovascular phenotype. Last evaluated: 2019-07-11. Review status: criteria provided, single submitter. Criteria: Ambry Variant Classification Scheme 2023. Collection method: clinical testing. Allele origin: germline.

Laboratory for Molecular Medicine, Mass General Brigham Personalized Medicine
Classification: Likely benign. Last evaluated: 2015-04-02. Review status: criteria provided, single submitter. Criteria: LMM Criteria. Collection method: clinical testing. Allele origin: germline. Observed: 1 variant allele.
Comment: p.Arg2415His in exon 50 of DMD: This variant is not expected to have clinical si gnificance due to a lack of conservation across species, including mammals. Of n ote, more than 40 mammals have a histidine (His) at this position despite high n earby amino acid conservation. In addition, computational prediction tools do no t suggest a high likelihood of impact to the protein. This variant has been iden tified in 5/8504 African chromosomes by the Exome Aggregation Consortium (ExAC; dbSNP rs373749120).

PreventionGenetics, part of Exact Sciences
Classification: Likely benign for DMD-related condition. Last evaluated: 2022-09-13. Review status: no assertion criteria provided. Collection method: clinical testing. Allele origin: germline. Not counted in ClinVar's aggregate classification.
Comment: This variant is classified as likely benign based on ACMG/AMP sequence variant interpretation guidelines (Richards et al. 2015 PMID: 25741868, with internal and published modifications).

Natera, Inc.
Classification: Likely benign for Becker muscular dystrophy; Cardiomyopathy; Duchenne muscular dystrophy; Dystrophin deficiency. Last evaluated: 2019-06-25. Review status: no assertion criteria provided. Collection method: clinical testing. Allele origin: germline. Not counted in ClinVar's aggregate classification.

NM_004006.3(DMD):c.7244G>A (p.Arg2415His)

Gene: DMD (dystrophin; minus strand). Cytogenetic location: Xp21.1.
Variant type: single nucleotide variant.
Coding change: c.7244G>A on transcript NM_004006.3 (MANE Select); coding-DNA position 7244, G replaced by A.
Protein change: p.Arg2415His; replaces arginine 2415 with histidine.
Molecular consequence: missense variant. On other transcripts: 5 prime UTR variant (5).
Genome position (GRCh38, 1-based): chrX:31,820,040, C>T on the plus strand (G>A on the coding strand, the complement: DMD is on the minus strand). VCF-style: chrX-31820040-C-T. GRCh37 (hg19) VCF-style: chrX-31838157-C-T.
Other names: c.7220G>A, p.Arg2407His (NM_000109.4); c.7232G>A, p.Arg2411His (NM_004009.3); c.6875G>A, p.Arg2292His (NM_004010.3); c.3221G>A, p.Arg1074His (NM_004011.4); c.3212G>A, p.Arg1071His (NM_004012.4); c.-137G>A (NM_004013.3, NM_004020.4, NM_004021.3 and 2 more transcripts); short protein forms R2415H, R1074H, R2407H, R1071H, R2411H, R2292H.
Identifiers: ClinVar variation 227309 (VCV000227309.22), dbSNP rs373749120, ClinGen allele CA10378307.